The following is an entry in ClinVar:

NM_020975.6(RET):c.2376G>T (p.Gly792=)

Gene: RET (ret proto-oncogene; plus strand). Cytogenetic location: 10q11.21.
Variant type: single nucleotide variant.
Coding change: c.2376G>T on transcript NM_020975.6 (MANE Select); coding-DNA position 2376, G replaced by T.
Protein change: p.Gly792=; no amino-acid change (glycine 792 retained).
Molecular consequence: synonymous variant.
Genome position (GRCh38, 1-based): chr10:43,118,464, G>T. VCF-style: chr10-43118464-G-T. GRCh37 (hg19) VCF-style: chr10-43613912-G-T.
Other names: c.1614G>T, p.Gly538= (NM_001355216.2); c.2376G>T, p.Gly792= (NM_001406743.1, NM_001406744.1, NM_001406759.1 and 2 more transcripts); c.2247G>T, p.Gly749= (NM_001406761.1, NM_001406762.1, NM_001406764.1); c.2241G>T, p.Gly747= (NM_001406763.1, NM_001406765.1); c.2088G>T, p.Gly696= (NM_001406766.1, NM_001406767.1, NM_001406770.1); c.2112G>T, p.Gly704= (NM_001406768.1); c.1980G>T, p.Gly660= (NM_001406769.1, NM_001406772.1); c.1938G>T, p.Gly646= (NM_001406771.1, NM_001406773.1); and 10 more.
Identifiers: ClinVar variation 3904535 (VCV003904535.1).

ClinVar aggregate classification (germline): Benign (1 of 4 stars; one submission).

Conditions:
Multiple endocrine neoplasia type 2A. Also called: Multiple Endocrine Neoplasia Type 2A (MEN2A); MULTIPLE ENDOCRINE NEOPLASIA, TYPE IIA; PTC SYNDROME; SIPPLE SYNDROME; MEN 2A; MEN-2A syndrome. Identifiers: Orphanet 247698, Orphanet 653, MedGen C0025268, MeSH D018813, MONDO:0008234, OMIM 171400.

Submission:

Myriad Genetics, Inc.
Classification: Benign for Multiple endocrine neoplasia type 2A. Last evaluated: 2025-02-26. Review status: criteria provided, single submitter. Criteria: Myriad Autosomal Dominant, Autosomal Recessive and X-Linked Classification Criteria (2023). Collection method: clinical testing. Allele origin: unknown.
Comment: This variant is considered benign. This variant is a silent/synonymous amino acid change and it is not expected to impact splicing.